The following is an entry in ClinVar:

ClinVar aggregate classification (germline): Uncertain significance (1 of 4 stars; one submission).

Allele frequency attached by ClinVar (database versions not stated): gnomAD exomes below 0.00001; gnomAD 0.00001.
gnomAD v4.1: 2 of 1,613,998 alleles (0.00012%); highest among the groups gnomAD compares: African/African-American, 0.0013%; no homozygotes.

Submission:

Labcorp Genetics (formerly Invitae), Labcorp
Classification: Uncertain significance. Last evaluated: 2023-12-27. Review status: criteria provided, single submitter. Criteria: Invitae Variant Classification Sherloc (09022015). Collection method: clinical testing. Allele origin: germline.
Comment: This sequence change replaces glycine, which is neutral and non-polar, with arginine, which is basic and polar, at codon 243 of the OAS1 protein (p.Gly243Arg). This variant is not present in population databases (gnomAD no frequency). This variant has not been reported in the literature in individuals affected with OAS1-related conditions. An algorithm developed to predict the effect of missense changes on protein structure and function (PolyPhen-2) suggests that this variant is likely to be disruptive. In summary, the available evidence is currently insufficient to determine the role of this variant in disease. Therefore, it has been classified as a Variant of Uncertain Significance.

NM_016816.4(OAS1):c.727G>A (p.Gly243Arg)

Gene: OAS1 (2'-5'-oligoadenylate synthetase 1; plus strand). Cytogenetic location: 12q24.13.
Variant type: single nucleotide variant.
Coding change: c.727G>A on transcript NM_016816.4 (MANE Select); coding-DNA position 727, G replaced by A.
Protein change: p.Gly243Arg; replaces glycine 243 with arginine.
Molecular consequence: missense variant. On other transcripts: non-coding transcript variant (9).
Genome position (GRCh38, 1-based): chr12:112,916,581, G>A. VCF-style: chr12-112916581-G-A. GRCh37 (hg19) VCF-style: chr12-113354386-G-A.
Other names: c.727G>A, p.Gly243Arg (NM_001032409.3, NM_001320151.2, NM_001406022.1 and 2 more transcripts); c.703G>A, p.Gly235Arg (NM_001406020.1, NM_001406021.1, NM_001406023.1 and 2 more transcripts); c.253G>A, p.Gly85Arg (NM_001406026.1, NM_001406027.1, NM_001406029.1 and 1 more transcripts); short protein forms G85R, G235R, G243R.
Identifiers: ClinVar variation 3002659 (VCV003002659.3), dbSNP rs2043460863, ClinGen allele CA386805407.